The following is an entry in ClinVar:

NM_153717.3(EVC):c.1243G>A (p.Gly415Arg)

Gene: EVC (EvC ciliary complex subunit 1; plus strand). Cytogenetic location: 4p16.2.
Variant type: single nucleotide variant.
Coding change: c.1243G>A on transcript NM_153717.3 (MANE Select); coding-DNA position 1243, G replaced by A.
Protein change: p.Gly415Arg; replaces glycine 415 with arginine.
Molecular consequence: missense variant.
Genome position (GRCh38, 1-based): chr4:5,752,980, G>A. VCF-style: chr4-5752980-G-A. GRCh37 (hg19) VCF-style: chr4-5754707-G-A.
Other names: c.1243G>A, p.Gly415Arg (NM_001306090.2, NM_001306092.2); short protein forms G415R.
Identifiers: ClinVar variation 2299299 (VCV002299299.5), dbSNP rs778330232, ClinGen allele CA2836037.

ClinVar aggregate classification (germline): Uncertain significance. Review status: criteria provided, multiple submitters, no conflicts (2 of 4 stars). 2 submissions from 2 submitters: Uncertain significance (2). Last evaluated 2025-09-25.

Conditions:
Ellis-van Creveld syndrome (EVC). Also called: EVC-Related Ellis-van Creveld Syndrome; EVC2-Related Ellis-van Creveld Syndrome; MESOECTODERMAL DYSPLASIA; Chondroectodermal dysplasia. Identifiers: Orphanet 289, MedGen C0013903, MONDO:0009162, OMIM 225500.
Curry-Hall syndrome (WAD). Also called: WEYERS ACRODENTAL DYSOSTOSIS. Identifiers: Orphanet 952, MedGen C0457013, MONDO:0008673, OMIM 193530.
Inborn genetic diseases. Identifiers: MedGen C0950123, MeSH D030342.

Allele frequency attached by ClinVar (database versions not stated): gnomAD 0.00002; TOPMed 0.00003.

Submissions (2):

Ambry Genetics
Classification: Uncertain significance for Inborn genetic diseases. Last evaluated: 2025-09-25. Review status: criteria provided, single submitter. Criteria: Ambry Variant Classification Scheme 2023. Collection method: clinical testing. Allele origin: germline.

Labcorp Genetics (formerly Invitae), Labcorp
Classification: Uncertain significance for Curry-Hall syndrome; Ellis-van Creveld syndrome. Last evaluated: 2025-06-16. Review status: criteria provided, single submitter. Criteria: Invitae Variant Classification Sherloc (09022015). Collection method: clinical testing. Allele origin: germline.
Comment: This sequence change replaces glycine, which is neutral and non-polar, with arginine, which is basic and polar, at codon 415 of the EVC protein (p.Gly415Arg). This variant is present in population databases (rs778330232, gnomAD 0.006%). This variant has not been reported in the literature in individuals affected with EVC-related conditions. ClinVar contains an entry for this variant (Variation ID: 2299299). Invitae Evidence Modeling of protein sequence and biophysical properties (such as structural, functional, and spatial information, amino acid conservation, physicochemical variation, residue mobility, and thermodynamic stability) indicates that this missense variant is not expected to disrupt EVC protein function with a negative predictive value of 95%. In summary, the available evidence is currently insufficient to determine the role of this variant in disease. Therefore, it has been classified as a Variant of Uncertain Significance.